The following is an entry in ClinVar:

NM_014140.4(SMARCAL1):c.1499_1500delinsTT (p.Trp500Phe)

Gene: SMARCAL1 (SNF2 related chromatin remodeling annealing helicase 1; plus strand). Cytogenetic location: 2q35.
Variant type: Indel.
Coding change: c.1499_1500delinsTT on transcript NM_014140.4 (MANE Select); coding-DNA positions 1499 to 1500, GG replaced by TT.
Protein change: p.Trp500Phe; replaces tryptophan 500 with phenylalanine.
Molecular consequence: missense variant.
Genome position (GRCh38, 1-based): chr2:216,435,351-216,435,352, GG replaced by TT. VCF-style: chr2-216435351-GG-TT. GRCh37 (hg19) VCF-style: chr2-217300074-GG-TT.
Other names: c.1499_1500delinsTT, p.Trp500Phe (NM_001127207.2); c.1499_1500delGGinsTT (NM_014140.3); c.1499_1500delinsTT (NM_014140.3); short protein forms W500F.
Identifiers: ClinVar variation 504150 (VCV000504150.3), dbSNP rs1553526733, ClinGen allele CA658796173.
Genomic context (GRCh38, chr2:216,435,351, plus strand): 5'-CTGTGCTGGGTGGTCATTGTAGCTTTGTTCCCTCCTGTCATCCACAGGCCTTCCTTCGGT[GG>TT]CTGCCATCTCTGAGCCCAGATTGCATCAACGTCGTGGTGACTGGGAAGGACCGCCTGACA-3'
Protein context (NP_054859.2, residues 490-510): RFTWEQAFLR[Trp500Phe]LPSLSPDCIN

ClinVar aggregate classification (germline): Likely pathogenic (1 of 4 stars; one submission).

Submission:

GeneDx
Classification: Likely pathogenic. Last evaluated: 2025-01-15. Review status: criteria provided, single submitter. Criteria: GeneDx Variant Classification Process June 2021. Collection method: clinical testing. Allele origin: germline. Affected: yes.
Comment: Not observed at significant frequency in large population cohorts (gnomAD); In silico analysis supports a deleterious effect on protein structure/function; Has not been previously published as pathogenic or benign to our knowledge